The following is an entry in ClinVar:

NM_000543.5(SMPD1):c.937C>T (p.Pro313Ser)

Gene: SMPD1 (sphingomyelin phosphodiesterase 1; plus strand). Cytogenetic location: 11p15.4.
Variant type: single nucleotide variant.
Coding change: c.937C>T on transcript NM_000543.5 (MANE Select); coding-DNA position 937, C replaced by T.
Protein change: p.Pro313Ser; replaces proline 313 with serine.
Molecular consequence: missense variant. On other transcripts: 5 prime UTR variant (1), non-coding transcript variant (1).
Genome position (GRCh38, 1-based): chr11:6,392,002, C>T. VCF-style: chr11-6392002-C-T. GRCh37 (hg19) VCF-style: chr11-6413232-C-T.
Other names: c.-25C>T (NM_001318088.2); c.937C>T, p.Pro313Ser (NM_001365135.2, NM_001318087.2); c.934C>T, p.Pro312Ser (NM_001007593.3); short protein forms P312S, P313S.
Identifiers: ClinVar variation 4535985 (VCV004535985.1).

ClinVar aggregate classification (germline): Uncertain significance (1 of 4 stars; one submission).

gnomAD v4.1: 2 of 1,614,212 alleles (0.00012%); highest among the groups gnomAD compares: Non-Finnish European, 0.00017%; no homozygotes.

Submission:

Women's Health and Genetics/Laboratory Corporation of America, LabCorp
Classification: Uncertain significance. Last evaluated: 2025-09-24. Review status: criteria provided, single submitter. Criteria: LabCorp Variant Classification Summary - May 2015. Collection method: clinical testing. Allele origin: germline.
Comment: Variant summary: SMPD1 c.937C>T (p.Pro313Ser) results in a non-conservative amino acid change in the encoded protein sequence. Algorithms developed to predict the effect of missense changes on protein structure and function all suggest that this variant is likely to be disruptive. The variant was absent in 251466 control chromosomes. The available data on variant occurrences in the general population are insufficient to allow any conclusion about variant significance. c.937C>T has been observed in at least one individual affected with Niemann-Pick Disease (Gorelik_2016). This report does not provide unequivocal conclusions about association of the variant with Niemann-Pick Disease. To our knowledge, no experimental evidence demonstrating an impact on protein function has been reported. The following publication has been ascertained in the context of this evaluation (PMID: 27435900). No submitters have cited clinical-significance assessments for this variant to ClinVar. Based on the evidence outlined above, the variant was classified as uncertain significance.

Literature cited by the submitters: PubMed 27435900.